The following is an entry in ClinVar:

NM_014639.4(SKIC3):c.1186del (p.Tyr396fs)

Gene: SKIC3 (SKI3 subunit of superkiller complex; minus strand). Cytogenetic location: 5q15.
Variant type: Deletion.
Coding change: c.1186del on transcript NM_014639.4 (MANE Select); coding-DNA position 1186, one base deleted (T; older notation c.1186delT).
Protein change: p.Tyr396fs; shifts the reading frame from tyrosine 396.
Molecular consequence: frameshift variant.
Genome position (GRCh38, 1-based): chr5:95,525,622, A deleted on the plus strand (T on the coding strand, the reverse complement: SKIC3 is on the minus strand). VCF-style (leftmost placement, unchanged base first): chr5-95525621-TA-T. GRCh37 (hg19) VCF-style: chr5-94861325-TA-T.
Other names: short protein forms Y396fs.
Identifiers: ClinVar variation 2712632 (VCV002712632.3), dbSNP rs2530774036, ClinGen allele CA2697546355.
Genomic context (GRCh38, chr5:95,525,621, plus strand): 5'-TGCTCAGTTTGAATAAAAAAGCCAACCTTTGCAGCTTCATCAAATGAACCTTTGTTCCGA[TA>T]GGCCAAGCTTTTGAGAACCAAAAGTCCTGGGATATTATCTGCATCAGAAATCTAGAAAAT-3'

ClinVar aggregate classification (germline): Pathogenic (1 of 4 stars; one submission).

Submission:

Labcorp Genetics (formerly Invitae), Labcorp
Classification: Pathogenic. Last evaluated: 2024-02-23. Review status: criteria provided, single submitter. Criteria: Invitae Variant Classification Sherloc (09022015). Collection method: clinical testing. Allele origin: germline.
Comment: This sequence change creates a premature translational stop signal (p.Tyr396Ilefs*24) in the TTC37 gene. It is expected to result in an absent or disrupted protein product. Loss-of-function variants in TTC37 are known to be pathogenic (PMID: 20176027, 21120949). This variant is not present in population databases (gnomAD no frequency). This variant has not been reported in the literature in individuals affected with TTC37-related conditions. For these reasons, this variant has been classified as Pathogenic.

Literature cited by the submitters: PubMed 20176027; PubMed 21120949.